The following is an entry in ClinVar:

ClinVar aggregate classification (germline): Uncertain significance. Review status: criteria provided, multiple submitters, no conflicts (2 of 4 stars). 2 submissions from 2 submitters: Uncertain significance (2). Last evaluated 2025-04-03.

Conditions:
Inborn genetic diseases. Identifiers: MedGen C0950123, MeSH D030342.
Weaver syndrome (WVS). Also called: Weaver Smith syndrome; Overgrowth syndrome with accelerated skeletal maturation, unusual facies, and camptodactyly. Identifiers: Orphanet 3447, MedGen C0265210, MONDO:0010193, OMIM 277590.

Submissions (2):

Labcorp Genetics (formerly Invitae), Labcorp
Classification: Uncertain significance for Weaver syndrome. Last evaluated: 2025-04-03. Review status: criteria provided, single submitter. Criteria: Invitae Variant Classification Sherloc (09022015). Collection method: clinical testing. Allele origin: germline.
Comment: This sequence change affects the initiator methionine of the EZH2 mRNA. The next in-frame methionine is located at codon 24. This variant is present in population databases (no rsID available, gnomAD 0.002%). This variant has not been reported in the literature in individuals affected with EZH2-related conditions. ClinVar contains an entry for this variant (Variation ID: 2294507). In summary, the available evidence is currently insufficient to determine the role of this variant in disease. Therefore, it has been classified as a Variant of Uncertain Significance.

Ambry Genetics
Classification: Uncertain significance for Inborn genetic diseases. Last evaluated: 2022-06-28. Review status: criteria provided, single submitter. Criteria: Ambry Variant Classification Scheme 2023. Collection method: clinical testing. Allele origin: germline.
Comment: Loss of function has not been established as a mechanism of disease; May escape nonsense-mediated mRNA decay and/or be rescued by re-initiation Based on insufficient or conflicting evidence, the clinical significance of this alteration remains unclear.

Literature cited by the submitters: PubMed 25954003 (cited by Ambry Genetics); PubMed 27618451 (cited by Ambry Genetics); PubMed 28490743 (cited by Ambry Genetics).

NM_004456.5(EZH2):c.-1_2del (p.Met1del)

Gene: EZH2 (enhancer of zeste 2 polycomb repressive complex 2 subunit; minus strand). Cytogenetic location: 7q36.1.
Variant type: Deletion.
Coding change: c.-1_2del on transcript NM_004456.5 (MANE Select); 1 bases upstream of the start codon through coding-DNA position 2, 3 bases deleted (CAT; older notation c.-1_2delCAT).
Protein change: p.Met1del; deletes methionine 1.
Molecular consequence: inframe deletion, initiator codon variant.
Genome position (GRCh38, 1-based): chr7:148,847,297-148,847,299, ATG deleted on the plus strand (CAT on the coding strand, the reverse complement: EZH2 is on the minus strand); deleting any 3 consecutive bases within chr7:148,847,297-148,847,301 gives the same sequence; the c. name uses the placement nearest the transcript's 3' end. VCF-style (leftmost placement, unchanged base first): chr7-148847296-CATG-C. GRCh37 (hg19) VCF-style: chr7-148544388-CATG-C.
Other names: c.-1_2del, p.Met1del (NM_001203247.2, NM_001203248.2, NM_001203249.2 and 1 more transcripts); c.-1_2delCAT (NM_004456.4); short protein forms M1del.
Identifiers: ClinVar variation 2294507 (VCV002294507.6), dbSNP rs1314292412, ClinGen allele CA578632881.